The following is an entry in ClinVar:

ClinVar aggregate classification (germline): Uncertain significance. Review status: criteria provided, multiple submitters, no conflicts (2 of 4 stars). 2 submissions from 2 submitters: Uncertain significance (2). Last evaluated 2025-08-20.

Conditions:
Nemaline myopathy 2 (NEM2). Also called: Nemaline myopathy 2, autosomal recessive. Identifiers: MedGen C1850569, MONDO:0009725, OMIM 256030.
Inborn genetic diseases. Identifiers: MedGen C0950123, MeSH D030342.

Allele frequency attached by ClinVar (database versions not stated): gnomAD 0.00001; ExAC 0.00002; gnomAD exomes 0.00003.
gnomAD v4.1: 46 of 1,613,790 alleles (0.0029%); highest among the groups gnomAD compares: Non-Finnish European, 0.0036%; no homozygotes.

Submissions (2):

Ambry Genetics
Classification: Uncertain significance for Inborn genetic diseases. Last evaluated: 2025-08-20. Review status: criteria provided, single submitter. Criteria: Ambry Variant Classification Scheme 2023. Collection method: clinical testing. Allele origin: germline.

Labcorp Genetics (formerly Invitae), Labcorp
Classification: Uncertain significance for Nemaline myopathy 2. Last evaluated: 2022-07-15. Review status: criteria provided, single submitter. Criteria: Invitae Variant Classification Sherloc (09022015). Collection method: clinical testing. Allele origin: germline.
Comment: This sequence change replaces serine, which is neutral and polar, with threonine, which is neutral and polar, at codon 1592 of the NEB protein (p.Ser1592Thr). This variant is present in population databases (rs760937561, gnomAD 0.002%). This variant has not been reported in the literature in individuals affected with NEB-related conditions. Algorithms developed to predict the effect of missense changes on protein structure and function are either unavailable or do not agree on the potential impact of this missense change (SIFT: "Deleterious"; PolyPhen-2: "Not Available"; Align-GVGD: "Class C0"). In summary, the available evidence is currently insufficient to determine the role of this variant in disease. Therefore, it has been classified as a Variant of Uncertain Significance.

NM_001164508.2(NEB):c.4775G>C (p.Ser1592Thr)

Gene: NEB (nebulin; minus strand). Cytogenetic location: 2q23.3.
Variant type: single nucleotide variant.
Coding change: c.4775G>C on transcript NM_001164508.2 (MANE Select); coding-DNA position 4775, G replaced by C.
Protein change: p.Ser1592Thr; replaces serine 1592 with threonine.
Molecular consequence: missense variant.
Genome position (GRCh38, 1-based): chr2:151,666,346, C>G on the plus strand (G>C on the coding strand, the complement: NEB is on the minus strand). VCF-style: chr2-151666346-C-G. GRCh37 (hg19) VCF-style: chr2-152522860-C-G.
Other names: c.4775G>C (NM_004543.4); c.4775G>C, p.Ser1592Thr (NM_001164507.2, NM_001271208.2, NM_004543.5); short protein forms S1592T.
Identifiers: ClinVar variation 2061861 (VCV002061861.2), dbSNP rs760937561, ClinGen allele CA1910534.